The following is an entry in ClinVar:

ClinVar aggregate classification (germline): Pathogenic/Likely pathogenic. Review status: criteria provided, multiple submitters, no conflicts (2 of 4 stars). 9 submissions from 9 submitters: Pathogenic (1); Likely pathogenic (5). 3 of the submissions do not count toward it. Last evaluated 2026-08-25.

Conditions:
KCNH2-related disorder. Also called: KCNH2-related disorders; KCNH2-related condition.
Cardiovascular phenotype. Identifiers: MedGen CN230736.
Familial long QT syndrome (RWS). Also called: Romano-Ward syndrome; VENTRICULAR FIBRILLATION WITH PROLONGED QT INTERVAL; Congenital long QT syndrome. Identifiers: Orphanet 768, MedGen C1141890, MONDO:0019171.
Cardiac arrhythmia. Also called: Cardiac rhythm disease; Arrhythmia. Identifiers: MedGen C0003811, MONDO:0007263, HP:0011675.
Long QT syndrome (LQTS). Identifiers: MedGen C0023976, MeSH D008133, MONDO:0002442. Disease mechanism: loss of function. Inheritance: Various modes of inheritance.
Long QT syndrome 2 (LQT2). Identifiers: Orphanet 101016, Orphanet 768, MedGen C3150943, MONDO:0013367, OMIM 613688.

Allele frequency attached by ClinVar (database versions not stated): gnomAD exomes below 0.00001; TOPMed 0.00002; gnomAD 0.00001.
gnomAD v4.1: 2 of 1,613,658 alleles (0.00012%); highest among the groups gnomAD compares: African/African-American, 0.0027%; no homozygotes.

Submissions (9):

PreventionGenetics, part of Exact Sciences
Classification: Likely pathogenic for KCNH2-related condition. Last evaluated: 2026-08-25. Review status: criteria provided, single submitter. Criteria: ACMG Guidelines, 2015. Collection method: clinical testing. Allele origin: germline.
Comment: The KCNH2 c.2255G>A variant is predicted to result in the amino acid substitution p.Arg752Gln. This variant has been reported in individuals with long QT syndrome, with variable or reduced penetrance in the heterozygous state, and a severe in utero presentation in the homozygous state (Johnson et al. 2003. PubMed ID: 12621127; Table S1, Anderson et al. 2014. PubMed ID: 25417810; Table SXIII, Choi et al. 2021. PubMed ID: 34319147). Functional studies show this variant results in reduced function and abnormal trafficking (Johnson et al. 2003. PubMed ID: 12621127; Anderson et al. 2014. PubMed ID: 25417810). This variant is reported in 0.0081% of alleles in individuals of African descent in gnomAD and is consistently interpreted as likely pathogenic/pathogenic in ClinVar (Variation ID: 14435). An alternate missense change at the same amino acid position (p.Arg752Trp) has been reported to be pathogenic for long QT syndrome (Splawski et al. 2000. PubMed ID: 10973849). This variant is interpreted as likely pathogenic.

Labcorp Genetics (formerly Invitae), Labcorp
Classification: Pathogenic for Long QT syndrome. Last evaluated: 2026-02-01. Review status: criteria provided, single submitter. Criteria: Invitae Variant Classification Sherloc (09022015). Collection method: clinical testing. Allele origin: germline.
Comment: This sequence change replaces arginine, which is basic and polar, with glutamine, which is neutral and polar, at codon 752 of the KCNH2 protein (p.Arg752Gln). This variant is present in population databases (rs121912512, gnomAD 0.008%). This missense change has been observed in individuals with long QT interval (PMID: 12621127, 34319147; internal data). ClinVar contains an entry for this variant (Variation ID: 14435). An algorithm developed to predict the effect of missense changes on protein structure and function (PolyPhen-2) suggests that this variant is likely to be disruptive. Experimental studies have shown that this missense change affects KCNH2 function (PMID: 12621127, 25417810). This variant disrupts the p.Arg752 amino acid residue in KCNH2. Other variant(s) that disrupt this residue have been determined to be pathogenic (PMID: 10973849, 11009462, 18441445). This suggests that this residue is clinically significant, and that variants that disrupt this residue are likely to be disease-causing. For these reasons, this variant has been classified as Pathogenic.

GeneDx
Classification: Likely pathogenic. Last evaluated: 2025-11-21. Review status: criteria provided, single submitter. Criteria: GeneDx Variant Classification Process June 2021. Collection method: clinical testing. Allele origin: germline. Affected: yes.
Comment: Published functional studies demonstrate a damaging effect as this variant leads to significantly decreased channel function and causes a protein trafficking defect (PMID: 12621127, 25417810); Not observed at significant frequency in large population cohorts (gnomAD); In silico analysis supports that this missense variant has a deleterious effect on protein structure/function; This variant is associated with the following publications: (PMID: 25417810, 25637381, 37324772, 34309407, 12621127, 34570182, 34319147)

Color Diagnostics, LLC DBA Color Health
Classification: Likely pathogenic for Cardiac arrhythmia. Last evaluated: 2025-06-04. Review status: criteria provided, single submitter. Criteria: ACMG Guidelines, 2015. Collection method: clinical testing. Allele origin: germline.
Comment: This missense variant replaces arginine with glutamine at codon 752 of the KCNH2 protein. This variant is found within the highly conserved cyclic nucleotide binding region (a.a. 742-842). Rare non-truncating variants in this region have been shown to be significantly overrepresented in individuals with long QT syndrome (PMID: 32893267). Functional studies have shown that this variant causes deficient maturation and trafficking of KCNH2 protein to the cell surface (PMID: 25417810), and results in reduced channel currents (PMID: 12621127). This variant has been reported in homozygous status in an individual affected with severe neonatal long QT syndrome while three heterozygous carriers in the family were reported to be asymptomatic (PMID: 12621127). This variant has also been reported in another two unrelated heterozygous individuals affected with long QT syndrome (PMID: 34319147, ClinVar: SCV000253679.4). This variant has been identified in 2/281892 chromosomes in the general population by the Genome Aggregation Database (gnomAD). A different missense variant occurring at the same codon, p.Arg752Trp, is known to be disease-causing (ClinVar variation ID: 67379), indicating that arginine at this position is important for KCNH2 protein function. Based on the available evidence, this variant is classified as Likely Pathogenic.

Ambry Genetics
Classification: Likely pathogenic for Cardiovascular phenotype. Last evaluated: 2025-01-21. Review status: criteria provided, single submitter. Criteria: Ambry Variant Classification Scheme 2023. Collection method: clinical testing. Allele origin: germline.
Comment: The c.2255G>A (p.R752Q) alteration is located in exon 9 (coding exon 9) of the KCNH2 gene. This alteration results from a G to A substitution at nucleotide position 2255, causing the arginine (R) at amino acid position 752 to be replaced by a glutamine (Q). Based on data from gnomAD, the A allele has an overall frequency of 0.001% (2/281892) total alleles studied. The highest observed frequency was 0.008% (2/24810) of African alleles. This variant has been reported in individuals with features consistent with long QT syndrome (Johnson, 2003; Choi, 2021; external communication). Another variant at the same codon, p.R752W (c.2254C>T), has been identified in individuals with features consistent with long QT syndrome (Splawski, 2000; Ficker, 2000). This amino acid position is highly conserved in available vertebrate species. Functional studies suggest this variant may impact protein function; however, additional evidence is needed to confirm these findings (Johnson, 2003; Anderson, 2014; Li, 2014). This alteration is predicted to be deleterious by in silico analysis. Based on the available evidence, this alteration is classified as likely pathogenic.

Clinical Genomics Laboratory, Washington University in St. Louis
Classification: Likely pathogenic for Long QT syndrome 2. Last evaluated: 2023-08-31. Review status: criteria provided, single submitter. Criteria: ACMG Guidelines, 2015. Collection method: clinical testing. Allele origin: germline. Affected: yes.
Comment: The KCNH2 c.2255G>A (p.Arg752Gln) variant has been reported in two individuals affected with Long QT syndrome, one heterozygote (Choi SH et al., PMID: 34319147) and one homozygote (Johnson WH et al., PMID: 12621127). Johnson and colleagues make note that three family members to the homozygous patient were heterozygous for the p.Arg752Gln variant and were asymptomatic (Johnson WH et al., PMID: 12621127). The variant is only observed on 2 alleles out of 281,892 alleles in the general population (gnomAD v.2.1.1), indicating it is not a common variant. Functional studies show that this variant leads to significantly decreased channel function and disrupts protein trafficking (Anderson CL et al., PMID: 25417810; Johnson WH et al., PMID: 12621127). Computational predictors indicate that the variant is damaging, evidence that correlates with impact to KCNH2 function. Another variant in the same codon, c.2254C>T (p.Arg752Trp), has been reported in affected individuals with Long QT and is considered pathogenic (Ficker E et al., PMID: 11009462; Itoh H et al., PMID: 26669661; Nagaoka I et al., PMID: 18441445; Splawski I et al., PMID: 10973849; Stattin EL et al., PMID: 23098067, ClinVar Variation ID: 67379). This variant has been reported in the ClinVar database as a pathogenic variant, a likely pathogenic variant, and a variant of uncertain significance by one submitter each in association for Long QT syndrome. Based on available information and the ACMG/AMP guidelines for variant interpretation (Richards S et al., PMID: 25741868), this variant is classified as likely pathogenic.

OMIM
Classification: Pathogenic for LONG QT SYNDROME 2. Last evaluated: 2003-05-01. Review status: no assertion criteria provided. Collection method: literature only. Allele origin: germline. Not counted in ClinVar's aggregate classification.

Cardiovascular Biomedical Research Unit, Royal Brompton & Harefield NHS Foundation Trust
No classification provided. Condition: Familial long QT syndrome. Review status: no classification provided. Collection method: literature only. Allele origin: germline. Not counted in ClinVar's aggregate classification.
Comment: This variant has been reported as associated with Long QT syndrome in the following publications (PMID:12621127). This is a literature report, and does not necessarily reflect the clinical interpretation of the Imperial College / Royal Brompton Cardiovascular Genetics laboratory.

CSER _CC_NCGL, University of Washington
Classification: Uncertain significance for Long QT syndrome. Last evaluated: 2014-06-01. Review status: flagged submission. Collection method: research. Allele origin: germline. Inheritance: Autosomal dominant inheritance. Study: ESP 6500 variant annotation. Not counted in ClinVar's aggregate classification.
Comment: Variants classified for the Actionable exomic incidental findings in 6503 participants: challenges of variant classification manuscript
ClinVar note: Reason: Older and outlier claim with insufficient supporting evidence

Literature cited by the submitters: PubMed 12621127 (cited by 5 submitters); PubMed 34319147 (cited by 3 submitters); PubMed 25417810 (cited by 3 submitters); PubMed 10973849 (cited by Labcorp Genetics (formerly Invitae), Labcorp and Ambry Genetics); PubMed 11009462 (cited by Labcorp Genetics (formerly Invitae), Labcorp and Ambry Genetics); PubMed 18441445 (cited by Labcorp Genetics (formerly Invitae), Labcorp); PubMed 32893267 (cited by Color Diagnostics, LLC DBA Color Health); PubMed 25232191 (cited by Ambry Genetics); PubMed 9600240 (cited by OMIM); PubMed 22581653 (cited by Cardiovascular Biomedical Research Unit, Royal Brompton & Harefield NHS Foundation Trust).

NM_000238.4(KCNH2):c.2255G>A (p.Arg752Gln)

Gene: KCNH2 (potassium voltage-gated channel subfamily H member 2; minus strand). Cytogenetic location: 7q36.1.
Variant type: single nucleotide variant.
Coding change: c.2255G>A on transcript NM_000238.4 (MANE Select); coding-DNA position 2255, G replaced by A.
Protein change: p.Arg752Gln; replaces arginine 752 with glutamine.
Molecular consequence: missense variant.
Genome position (GRCh38, 1-based): chr7:150,950,311, C>T on the plus strand (G>A on the coding strand, the complement: KCNH2 is on the minus strand). VCF-style: chr7-150950311-C-T. GRCh37 (hg19) VCF-style: chr7-150647399-C-T.
Other names: c.2255G>A (NM_000238.2, LRG_288t1); c.1235G>A, p.Arg412Gln (NM_001204798.2, NM_172057.3); c.1967G>A, p.Arg656Gln (NM_001406753.1, NM_001406756.1); c.2078G>A, p.Arg693Gln (NM_001406755.1); c.1955G>A, p.Arg652Gln (NM_001406757.1); c.2255G>A, p.Arg752Gln (NM_172056.3); short protein forms R752Q, R412Q, R693Q, R656Q, R652Q.
Identifiers: ClinVar variation 14435 (VCV000014435.18), dbSNP rs121912512, ClinGen allele CA006389.